The following is an entry in ClinVar:

ClinVar aggregate classification (germline): Uncertain significance (1 of 4 stars; one submission).

Conditions:
Baller-Gerold syndrome (BGS). Also called: CRANIOSYNOSTOSIS WITH RADIAL DEFECTS. Identifiers: Orphanet 1225, MedGen C0265308, MONDO:0009039, OMIM 218600.

Submission:

Labcorp Genetics (formerly Invitae), Labcorp
Classification: Uncertain significance for Baller-Gerold syndrome. Last evaluated: 2023-01-18. Review status: criteria provided, single submitter. Criteria: Invitae Variant Classification Sherloc (09022015). Collection method: clinical testing. Allele origin: germline.
Comment: In summary, the available evidence is currently insufficient to determine the role of this variant in disease. Therefore, it has been classified as a Variant of Uncertain Significance. Advanced modeling of protein sequence and biophysical properties (such as structural, functional, and spatial information, amino acid conservation, physicochemical variation, residue mobility, and thermodynamic stability) performed at Invitae indicates that this missense variant is not expected to disrupt RECQL4 protein function. This variant has not been reported in the literature in individuals affected with RECQL4-related conditions. This variant is not present in population databases (gnomAD no frequency). This sequence change replaces arginine, which is basic and polar, with tryptophan, which is neutral and slightly polar, at codon 96 of the RECQL4 protein (p.Arg96Trp).

NM_004260.4(RECQL4):c.286C>T (p.Arg96Trp)

Gene: RECQL4 (RecQ like helicase 4; minus strand). Cytogenetic location: 8q24.3.
Variant type: single nucleotide variant.
Coding change: c.286C>T on transcript NM_004260.4 (MANE Select); coding-DNA position 286, C replaced by T.
Protein change: p.Arg96Trp; replaces arginine 96 with tryptophan.
Molecular consequence: missense variant.
Genome position (GRCh38, 1-based): chr8:144,517,118, G>A on the plus strand (C>T on the coding strand, the complement: RECQL4 is on the minus strand). VCF-style: chr8-144517118-G-A. GRCh37 (hg19) VCF-style: chr8-145742502-G-A.
Other names: c.286C>T, p.Arg96Trp (NM_001413017.1, NM_001413018.1, NM_001413019.1 and 5 more transcripts); c.-435C>T (NM_001413021.1); c.-786C>T (NM_001413022.1, NM_001413023.1, NM_001413037.1 and 3 more transcripts); c.-683C>T (NM_001413024.1, NM_001413035.1); c.157C>T, p.Arg53Trp (NM_001413025.1); c.-848C>T (NM_001413027.1, NM_001413030.1, NM_001413031.1 and 1 more transcripts); c.-511C>T (NM_001413028.1); c.-745C>T (NM_001413032.1); and 2 more; short protein forms R96W, R53W.
Identifiers: ClinVar variation 1913206 (VCV001913206.5), dbSNP rs375568877, ClinGen allele CA372692138.
Genomic context (GRCh38, chr8:144,517,118, plus strand): 5'-TGCCTTTCAGATTGGCCTTGAGCCGCTGCCCGTAGTCCGGCACCGAGCCCTGGCGGCTCC[G>A]CCCTGGCGTAGACTGTGGACTCTTGGTCGCAGCCCGATTCAGATGGGGCCCCCAGCAGCG-3'
Protein context (NP_004251.4, residues 86-106): ATKSPQSTPG[Arg96Trp]SRQGSVPDYG